The following is an entry in ClinVar:

ClinVar aggregate classification (germline): Uncertain significance (1 of 4 stars; one submission).

gnomAD v4.1: 2 of 1,614,120 alleles (0.00012%); highest among the groups gnomAD compares: Non-Finnish European, 0.00017%; no homozygotes.

Submission:

Ambry Genetics
Classification: Uncertain significance. Last evaluated: 2024-12-08. Review status: criteria provided, single submitter. Criteria: Ambry Variant Classification Scheme 2023. Collection method: clinical testing. Allele origin: germline.
Comment: The p.G403E variant (also known as c.1208G>A), located in coding exon 8 of the ATRIP gene, results from a G to A substitution at nucleotide position 1208. The glycine at codon 403 is replaced by glutamic acid, an amino acid with similar properties. This amino acid position is conserved. In addition, this alteration is predicted to be tolerated by in silico analysis. Based on the available evidence, the clinical significance of this variant remains unclear.

NM_130384.3(ATRIP):c.1208G>A (p.Gly403Glu)

Genes: ATRIP (ATR interacting protein; plus strand), ATRIP-TREX1 (ATRIP-TREX1 readthrough; plus strand). Cytogenetic location: 3p21.31.
Variant type: single nucleotide variant.
Coding change: c.1208G>A on transcript NM_130384.3 (MANE Select); coding-DNA position 1208, G replaced by A.
Protein change: p.Gly403Glu; replaces glycine 403 with glutamic acid.
Molecular consequence: missense variant. On other transcripts: non-coding transcript variant (1).
Genome position (GRCh38, 1-based): chr3:48,460,262, G>A. VCF-style: chr3-48460262-G-A. GRCh37 (hg19) VCF-style: chr3-48501661-G-A.
Other names: c.827G>A, p.Gly276Glu (NM_001271022.2); c.929G>A, p.Gly310Glu (NM_001271023.2); c.1208G>A, p.Gly403Glu (NM_032166.4); short protein forms G276E, G310E, G403E.
Identifiers: ClinVar variation 3465223 (VCV003465223.1).